The following is an entry in ClinVar:

ClinVar aggregate classification (germline): Likely benign. Review status: criteria provided, multiple submitters, no conflicts (2 of 4 stars). 3 submissions from 3 submitters: Likely benign (2). 1 of the submissions does not count toward it. Last evaluated 2024-11-22.

Conditions:
CHD3-related disorder. Also called: CHD3-related condition.

Allele frequency attached by ClinVar (database versions not stated): 1000 Genomes Project 30x 0.00047; 1000 Genomes Project 0.00060; ESP Exome Variant Server 0.00085; TOPMed 0.00087; gnomAD 0.00130; ExAC 0.00147.
gnomAD v4.1: 2,220 of 1,611,264 alleles (0.14%); highest among the groups gnomAD compares: Non-Finnish European, 0.15%; 4 homozygotes.

Submissions (3):

Blueprint Genetics
Classification: Likely benign. Last evaluated: 2024-11-22. Review status: criteria provided, single submitter. Criteria: ACMG Guidelines, 2015. Collection method: clinical testing. Allele origin: germline.

CeGaT Center for Human Genetics Tuebingen
Classification: Likely benign. Last evaluated: 2024-04-01. Review status: criteria provided, single submitter. Criteria: CeGaT Center For Human Genetics Tuebingen Variant Classification Criteria Version 2. Collection method: clinical testing. Allele origin: germline. Affected: yes. Observed: 2 variant alleles.
Comment: CHD3: BP4, BP7, BS1

PreventionGenetics, part of Exact Sciences
Classification: Likely benign for CHD3-related condition. Last evaluated: 2019-07-23. Review status: no assertion criteria provided. Collection method: clinical testing. Allele origin: germline. Not counted in ClinVar's aggregate classification.
Comment: This variant is classified as likely benign based on ACMG/AMP sequence variant interpretation guidelines (Richards et al. 2015 PMID: 25741868, with internal and published modifications).

NM_001005273.3(CHD3):c.4872G>T (p.Val1624=)

Gene: CHD3 (chromodomain helicase DNA binding protein 3; plus strand). Cytogenetic location: 17p13.1.
Variant type: single nucleotide variant.
Coding change: c.4872G>T on transcript NM_001005273.3 (MANE Select); coding-DNA position 4872, G replaced by T.
Protein change: p.Val1624=; no amino-acid change (valine 1624 retained).
Molecular consequence: synonymous variant.
Genome position (GRCh38, 1-based): chr17:7,907,436, G>T. VCF-style: chr17-7907436-G-T. GRCh37 (hg19) VCF-style: chr17-7810754-G-T.
Other names: c.5049G>T (NM_001005271.2); c.5049G>T, p.Val1683= (NM_001005271.3); c.4872G>T, p.Val1624= (NM_005852.4).
Identifiers: ClinVar variation 2647432 (VCV002647432.26), dbSNP rs144413508, ClinGen allele CA8363498.